The following is an entry in ClinVar:

ClinVar aggregate classification (germline): Conflicting classifications of pathogenicity. Review status: criteria provided, conflicting classifications (1 of 4 stars). 3 submissions from 3 submitters: Uncertain significance (2); Likely benign (1). Last evaluated 2026-05-05.

Conditions:
Hereditary cancer-predisposing syndrome. Also called: Hereditary Cancer Syndrome; Tumor predisposition; Hereditary neoplastic syndrome; Neoplastic Syndromes, Hereditary. Identifiers: Orphanet 140162, MedGen C0027672, MeSH D009386, MONDO:0015356.
Familial cancer of breast. Also called: Hereditary breast cancer; BREAST CANCER, FAMILIAL; hereditary breast carcinoma. Identifiers: Orphanet 227535, MedGen C0346153, MONDO:0016419, OMIM 114480. Disease mechanism: loss of function.
Hereditary diffuse gastric adenocarcinoma (HDGC). Also called: DIFFUSE GASTRIC AND LOBULAR BREAST CANCER SYNDROME. Identifiers: Orphanet 26106, MedGen C1708349, MONDO:0007648, OMIM 137215.

Submissions (3):

Ambry Genetics
Classification: Likely benign for Hereditary cancer-predisposing syndrome. Last evaluated: 2026-05-05. Review status: criteria provided, single submitter. Criteria: Ambry Variant Classification Scheme 2023. Collection method: clinical testing. Allele origin: germline.

Labcorp Genetics (formerly Invitae), Labcorp
Classification: Uncertain significance for Hereditary diffuse gastric adenocarcinoma. Last evaluated: 2025-04-13. Review status: criteria provided, single submitter. Criteria: Invitae Variant Classification Sherloc (09022015). Collection method: clinical testing. Allele origin: germline.
Comment: This sequence change replaces phenylalanine, which is neutral and non-polar, with cysteine, which is neutral and slightly polar, at codon 338 of the CDH1 protein (p.Phe338Cys). This variant is not present in population databases (gnomAD no frequency). This variant has not been reported in the literature in individuals affected with CDH1-related conditions. ClinVar contains an entry for this variant (Variation ID: 406621). An algorithm developed to predict the effect of missense changes on protein structure and function (PolyPhen-2) suggests that this variant is likely to be disruptive. In summary, the available evidence is currently insufficient to determine the role of this variant in disease. Therefore, it has been classified as a Variant of Uncertain Significance.

Baylor Genetics
Classification: Uncertain significance for Familial cancer of breast. Last evaluated: 2024-02-07. Review status: criteria provided, single submitter. Criteria: ACMG Guidelines, 2015. Collection method: clinical testing. Allele origin: unknown.

NM_004360.5(CDH1):c.1013T>G (p.Phe338Cys)

Gene: CDH1 (cadherin 1; plus strand). Cytogenetic location: 16q22.1.
Variant type: single nucleotide variant.
Coding change: c.1013T>G on transcript NM_004360.5 (MANE Select); coding-DNA position 1013, T replaced by G.
Protein change: p.Phe338Cys; replaces phenylalanine 338 with cysteine.
Molecular consequence: missense variant. On other transcripts: 5 prime UTR variant (2).
Genome position (GRCh38, 1-based): chr16:68,812,139, T>G. VCF-style: chr16-68812139-T-G. GRCh37 (hg19) VCF-style: chr16-68846042-T-G.
Other names: c.1013T>G (LRG_301t1); c.1013T>G, p.Phe338Cys (NM_001317184.2); c.-603T>G (NM_001317185.2); c.-807T>G (NM_001317186.2); short protein forms F338C.
Identifiers: ClinVar variation 406621 (VCV000406621.14), dbSNP rs1060501219, ClinGen allele CA16615236.